The following is an entry in ClinVar:

NM_001151.4(SLC25A4):c.882C>A (p.Ile294=)

Gene: SLC25A4 (solute carrier family 25 member 4; plus strand). Cytogenetic location: 4q35.1.
Variant type: single nucleotide variant.
Coding change: c.882C>A on transcript NM_001151.4 (MANE Select); coding-DNA position 882, C replaced by A.
Protein change: p.Ile294=; no amino-acid change (isoleucine 294 retained).
Molecular consequence: synonymous variant.
Genome position (GRCh38, 1-based): chr4:185,146,956, C>A. VCF-style: chr4-185146956-C-A. GRCh37 (hg19) VCF-style: chr4-186068110-C-A.
Other names: c.882C>A (NM_001151.3).
Identifiers: ClinVar variation 2182168 (VCV002182168.9), dbSNP rs142164891, ClinGen allele CA3156598.

ClinVar aggregate classification (germline): Conflicting classifications of pathogenicity. Review status: criteria provided, conflicting classifications (1 of 4 stars). 4 submissions from 4 submitters: Uncertain significance (1); Likely benign (2). 1 of the submissions does not count toward it. Last evaluated 2025-01-27.

Conditions:
SLC25A4-related disorder. Also called: SLC25A4-related condition.

Allele frequency attached by ClinVar (database versions not stated): gnomAD exomes 0.00002; TOPMed 0.00002; ExAC 0.00004; gnomAD 0.00005; 1000 Genomes Project 30x 0.00031; 1000 Genomes Project 0.00040.
gnomAD v4.1: 39 of 1,613,676 alleles (0.0024%); highest among the groups gnomAD compares: East Asian, 0.036%; no homozygotes.

Submissions (4):

Women's Health and Genetics/Laboratory Corporation of America, LabCorp
Classification: Likely benign. Last evaluated: 2025-01-27. Review status: criteria provided, single submitter. Criteria: LabCorp Variant Classification Summary - May 2015. Collection method: clinical testing. Allele origin: germline.

Labcorp Genetics (formerly Invitae), Labcorp
Classification: Likely benign. Last evaluated: 2024-10-31. Review status: criteria provided, single submitter. Criteria: Invitae Variant Classification Sherloc (09022015). Collection method: clinical testing. Allele origin: germline.

GeneDx
Classification: Uncertain significance. Last evaluated: 2024-09-13. Review status: criteria provided, single submitter. Criteria: GeneDx Variant Classification Process June 2021. Collection method: clinical testing. Allele origin: germline. Affected: yes.
Comment: In silico analysis indicates that this variant does not alter splicing; Has not been previously published as pathogenic or benign to our knowledge

PreventionGenetics, part of Exact Sciences
Classification: Likely benign for SLC25A4-related condition. Last evaluated: 2019-09-23. Review status: no assertion criteria provided. Collection method: clinical testing. Allele origin: germline. Not counted in ClinVar's aggregate classification.
Comment: This variant is classified as likely benign based on ACMG/AMP sequence variant interpretation guidelines (Richards et al. 2015 PMID: 25741868, with internal and published modifications).